The following is an entry in ClinVar:

NM_001042492.3(NF1):c.1361G>A (p.Cys454Tyr)

Gene: NF1 (neurofibromin 1; plus strand). Cytogenetic location: 17q11.2.
Variant type: single nucleotide variant.
Coding change: c.1361G>A on transcript NM_001042492.3 (MANE Select); coding-DNA position 1361, G replaced by A.
Protein change: p.Cys454Tyr; replaces cysteine 454 with tyrosine.
Molecular consequence: missense variant.
Genome position (GRCh38, 1-based): chr17:31,206,340, G>A. VCF-style: chr17-31206340-G-A. GRCh37 (hg19) VCF-style: chr17-29533358-G-A.
Other names: c.1361G>A, p.Cys454Tyr (NM_000267.4, NM_001128147.3); short protein forms C454Y.
Identifiers: ClinVar variation 1053512 (VCV001053512.7), dbSNP rs983914251, ClinGen allele CA289352338.

ClinVar aggregate classification (germline): Uncertain significance. Review status: criteria provided, multiple submitters, no conflicts (2 of 4 stars). 3 submissions from 3 submitters: Uncertain significance (3). Last evaluated 2024-09-11.

Conditions:
Cardiovascular phenotype. Identifiers: MedGen CN230736.
Hereditary cancer-predisposing syndrome. Also called: Hereditary Cancer Syndrome; Tumor predisposition; Hereditary neoplastic syndrome; Neoplastic Syndromes, Hereditary. Identifiers: Orphanet 140162, MedGen C0027672, MeSH D009386, MONDO:0015356.
Neurofibromatosis, type 1 (NF1). Also called: Peripheral type neurofibromatosis; Neurofibromatosis, type I; VON RECKLINGHAUSEN DISEASE; NEUROFIBROMATOSIS, TYPE I, SOMATIC. Identifiers: Orphanet 636, MedGen C0027831, MONDO:0018975, OMIM 162200. Disease mechanism: loss of function.
Juvenile myelomonocytic leukemia (JMML). Also called: LEUKEMIA, JUVENILE MYELOMONOCYTIC, SOMATIC. Identifiers: Orphanet 86834, MedGen C0349639, MONDO:0011908, OMIM 607785, HP:0012209.

Allele frequency attached by ClinVar (database versions not stated): TOPMed below 0.00001.
gnomAD v4.1: 3 of 1,613,788 alleles (0.00019%); highest among the groups gnomAD compares: Non-Finnish European, 0.00025%; no homozygotes.

Submissions (3):

Labcorp Genetics (formerly Invitae), Labcorp
Classification: Uncertain significance for Neurofibromatosis, type 1. Last evaluated: 2024-09-11. Review status: criteria provided, single submitter. Criteria: Invitae Variant Classification Sherloc (09022015). Collection method: clinical testing. Allele origin: germline.
Comment: This sequence change replaces cysteine, which is neutral and slightly polar, with tyrosine, which is neutral and polar, at codon 454 of the NF1 protein (p.Cys454Tyr). This variant is not present in population databases (gnomAD no frequency). This variant has not been reported in the literature in individuals affected with NF1-related conditions. ClinVar contains an entry for this variant (Variation ID: 1053512). Invitae Evidence Modeling of protein sequence and biophysical properties (such as structural, functional, and spatial information, amino acid conservation, physicochemical variation, residue mobility, and thermodynamic stability) indicates that this missense variant is not expected to disrupt NF1 protein function with a negative predictive value of 95%. In summary, the available evidence is currently insufficient to determine the role of this variant in disease. Therefore, it has been classified as a Variant of Uncertain Significance.

Baylor Genetics
Classification: Uncertain significance for Juvenile myelomonocytic leukemia. Last evaluated: 2023-10-30. Review status: criteria provided, single submitter. Criteria: ACMG Guidelines, 2015. Collection method: clinical testing. Allele origin: unknown.

Ambry Genetics
Classification: Uncertain significance for Cardiovascular phenotype; Hereditary cancer-predisposing syndrome. Last evaluated: 2022-06-02. Review status: criteria provided, single submitter. Criteria: Ambry Variant Classification Scheme 2023. Collection method: clinical testing. Allele origin: germline.